The following is an entry in ClinVar:

NM_004329.3(BMPR1A):c.70C>T (p.Gln24Ter)

Gene: BMPR1A (bone morphogenetic protein receptor type 1A; plus strand). Cytogenetic location: 10q23.2.
Variant type: single nucleotide variant.
Coding change: c.70C>T on transcript NM_004329.3 (MANE Select); coding-DNA position 70, C replaced by T.
Protein change: p.Gln24Ter; replaces glutamine 24 with a stop codon.
Molecular consequence: nonsense. On other transcripts: 5 prime UTR variant (3), non-coding transcript variant (3), intron variant (2).
Genome position (GRCh38, 1-based): chr10:86,890,064, C>T. VCF-style: chr10-86890064-C-T. GRCh37 (hg19) VCF-style: chr10-88649821-C-T.
Other names: c.-15C>T (NM_001406585.1, NM_001406587.1, NM_001406584.1); c.70C>T, p.Gln24Ter (NM_001406589.1, NM_001406559.1, NM_001406560.1 and 23 more transcripts); c.-12-3C>T (NM_001406588.1, NM_001406586.1); short protein forms Q24*.
Identifiers: ClinVar variation 3720942 (VCV003720942.2).

ClinVar aggregate classification (germline): Pathogenic (1 of 4 stars; one submission).

Conditions:
Juvenile polyposis syndrome (JPS). Identifiers: Orphanet 2929, MedGen C0345893, MONDO:0017380, OMIM 174900.

Submission:

Labcorp Genetics (formerly Invitae), Labcorp
Classification: Pathogenic for Juvenile polyposis syndrome. Last evaluated: 2024-09-28. Review status: criteria provided, single submitter. Criteria: Invitae Variant Classification Sherloc (09022015). Collection method: clinical testing. Allele origin: germline.
Comment: This sequence change creates a premature translational stop signal (p.Gln24*) in the BMPR1A gene. It is expected to result in an absent or disrupted protein product. Loss-of-function variants in BMPR1A are known to be pathogenic (PMID: 11536076, 12417513). This variant is not present in population databases (gnomAD no frequency). This premature translational stop signal has been observed in individual(s) with hereditary mixed polyposis syndrome (PMID: 19438883). For these reasons, this variant has been classified as Pathogenic.

Literature cited by the submitters: PubMed 11536076; PubMed 12417513; PubMed 19438883.